The following is an entry in ClinVar:

ClinVar aggregate classification (germline): Conflicting classifications of pathogenicity. Review status: criteria provided, conflicting classifications (1 of 4 stars). 5 submissions from 5 submitters: Uncertain significance (3); Likely benign (2). Last evaluated 2026-04-29.

Conditions:
KMT2D-related disorder. Also called: KMT2D-Related Disorders.
Kabuki syndrome. Also called: Kabuki make-up syndrome; NIIKAWA-KUROKI SYNDROME. Identifiers: Orphanet 2322, MedGen C0796004, MONDO:0016512.
Kabuki syndrome 1 (KABUK1). Also called: KMT2D-Related Kabuki Syndrome. Identifiers: Orphanet 2322, MedGen CN030661, MONDO:0007843, OMIM 147920.

Allele frequency attached by ClinVar (database versions not stated): gnomAD exomes 0.00001 and 0.00003; ExAC 0.00004; ESP Exome Variant Server 0.00008.
gnomAD v4.1: 23 of 1,526,762 alleles (0.0015%); highest among the groups gnomAD compares: Middle Eastern, 0.035%; no homozygotes.

Submissions (5):

PreventionGenetics, part of Exact Sciences
Classification: Uncertain significance for KMT2D-related condition. Last evaluated: 2026-04-29. Review status: criteria provided, single submitter. Criteria: ACMG Guidelines, 2015. Collection method: clinical testing. Allele origin: germline.
Comment: The KMT2D c.6638G>A variant is predicted to result in the amino acid substitution p.Gly2213Asp. This variant has been reported in the heterozygous or compound heterozygous states in two individuals with Kabuki syndrome (Table S1, Micale et al. 2014. PubMed ID: 24633898). This variant was also documented in an individual with anomalies of the kidney and urinary tract, cleft palate, facial dysmorphism, protruding ears, and delayed development and was inherited from a mildly affected father (mild facial dysmorphism) (van der Ven et al. 2018. PubMed ID: 30143558). However, this variant has also been reported in a control (Supplemental Table S3-1, Faundes et al. 2018. PubMed ID: 30459467). This variant is reported in 0.0048% of alleles in individuals of European (Non-Finnish) descent in gnomAD. Therefore, at this time, the clinical significance of this variant is uncertain due to the absence of conclusive functional and genetic evidence.

Labcorp Genetics (formerly Invitae), Labcorp
Classification: Likely benign for Kabuki syndrome. Last evaluated: 2025-05-30. Review status: criteria provided, single submitter. Criteria: Invitae Variant Classification Sherloc (09022015). Collection method: clinical testing. Allele origin: germline.

Blueprint Genetics
Classification: Likely benign. Last evaluated: 2022-02-18. Review status: criteria provided, single submitter. Criteria: ACMG Guidelines, 2015. Collection method: clinical testing. Allele origin: germline.

Revvity Omics, Revvity
Classification: Uncertain significance. Last evaluated: 2020-12-03. Review status: criteria provided, single submitter. Criteria: ACMG Guidelines, 2015. Collection method: clinical testing. Allele origin: germline.

Broad Center for Mendelian Genomics, Broad Institute of MIT and Harvard
Classification: Uncertain significance for Kabuki syndrome 1. Last evaluated: 2020-05-28. Review status: criteria provided, single submitter. Criteria: ACMG Guidelines, 2015. Collection method: research. Allele origin: germline. Inheritance: Autosomal dominant inheritance.
Comment: The p.Gly2213Asp variant in KMT2D has been reported in an additional 2 individuals with Kabuki syndrome (PMID: 30107592, 30143558), and has been identified in 0.005% (4/84098) of European (non-Finnish) and 0.005% (1/21106) of Latino chromosomes by the Genome Aggregation Database (gnomAD; dbSNP rs368767696). Although this variant has been seen in the general population, its frequency is not high enough to rule out a pathogenic role. Computational prediction tools and conservation analyses suggest that this variant may impact the protein, though this information is not predictive enough to determine pathogenicity. The number of missense variants reported in KMT2D in the general population is lower than expected, suggesting there is little benign variation in this gene and slightly increasing the possibility that a missense variant in this gene may not be tolerated. In summary, while there is some suspicion for a pathogenic role, the clinical significance of this variant is uncertain. ACMG/AMP Criteria applied: PP2, PP3, PS4_suporting (Richards 2015).

Literature cited by the submitters: PubMed 30143558 (cited by Broad Center for Mendelian Genomics, Broad Institute of MIT and Harvard); PubMed 30107592 (cited by Broad Center for Mendelian Genomics, Broad Institute of MIT and Harvard).

NM_003482.4(KMT2D):c.6638G>A (p.Gly2213Asp)

Gene: KMT2D (lysine methyltransferase 2D; minus strand). Cytogenetic location: 12q13.12.
Variant type: single nucleotide variant.
Coding change: c.6638G>A on transcript NM_003482.4 (MANE Select); coding-DNA position 6638, G replaced by A.
Protein change: p.Gly2213Asp; replaces glycine 2213 with aspartic acid.
Molecular consequence: missense variant.
Genome position (GRCh38, 1-based): chr12:49,041,132, C>T on the plus strand (G>A on the coding strand, the complement: KMT2D is on the minus strand). VCF-style: chr12-49041132-C-T. GRCh37 (hg19) VCF-style: chr12-49434915-C-T.
Other names: c.6638G>A (NM_003482.3); short protein forms G2213D.
Identifiers: ClinVar variation 977149 (VCV000977149.12), dbSNP rs368767696, ClinGen allele CA6547209.
Genomic context (GRCh38, chr12:49,041,132, plus strand): 5'-GTGCCAGGTGGGGTAGTGTGGAATTCCCCTGGCTGGCCAGCCCCAGGACGAGATGAGGCG[C>T]CCAGCATCGGGGGCTGCGCAGGGGCCCCCGTAGGACTAGGATAGGGGGGATAGGTGGGCG-3'
Protein context (NP_003473.3, residues 2203-2223): TGAPAQPPML[Gly2213Asp]ASSRPGAGQP